The following is an entry in ClinVar:

NM_000384.3(APOB):c.11684A>T (p.Asn3895Ile)

Gene: APOB (apolipoprotein B; minus strand). Cytogenetic location: 2p24.1.
Variant type: single nucleotide variant.
Coding change: c.11684A>T on transcript NM_000384.3 (MANE Select); coding-DNA position 11684, A replaced by T.
Protein change: p.Asn3895Ile; replaces asparagine 3895 with isoleucine.
Molecular consequence: missense variant.
Genome position (GRCh38, 1-based): chr2:21,005,184, T>A on the plus strand (A>T on the coding strand, the complement: APOB is on the minus strand). VCF-style: chr2-21005184-T-A. GRCh37 (hg19) VCF-style: chr2-21228056-T-A.
Other names: short protein forms N3895I.
Identifiers: ClinVar variation 3905378 (VCV003905378.10).
Genomic context (GRCh38, chr2:21,005,184, plus strand): 5'-GAATCCAGGACTGTTTCAACATAATCTGCTTTGTTTTTCAAACTGGCACTCCAAGTGGCA[T>A]TATACACGGGAGAGTCTACCTCAAAGCGTGCAGTCAGTGCTTGAAAGGAAGGAATGACAA-3'
Protein context (NP_000375.3, residues 3885-3905): ARFEVDSPVY[Asn3895Ile]ATWSASLKNK

ClinVar aggregate classification (germline): Uncertain significance (1 of 4 stars; one submission).

Submission:

CeGaT Center for Human Genetics Tuebingen
Classification: Uncertain significance. Last evaluated: 2025-06-01. Review status: criteria provided, single submitter. Criteria: CeGaT Center For Human Genetics Tuebingen Variant Classification Criteria Version 2. Collection method: clinical testing. Allele origin: germline. Affected: yes. Observed: 1 variant allele.
Comment: APOB: PM2, BP4